The following is an entry in ClinVar:

NM_005726.6(TSFM):c.119dup (p.Ser41fs)

Gene: TSFM (Ts translation elongation factor, mitochondrial; plus strand). Cytogenetic location: 12q14.1.
Variant type: Duplication.
Coding change: c.119dup on transcript NM_005726.6 (MANE Select); coding-DNA position 119, one base duplicated (T; older notation c.119dupT).
Protein change: p.Ser41fs; shifts the reading frame from serine 41.
Molecular consequence: frameshift variant.
Genome position (GRCh38, 1-based): chr12:57,783,171, T duplicated. VCF-style (leftmost placement, unchanged base first): chr12-57783170-C-CT. GRCh37 (hg19) VCF-style: chr12-58176953-C-CT.
Other names: c.119dup, p.Ser41fs (NM_001172695.2, NM_001172696.2, NM_001172697.2); short protein forms S41fs.
Identifiers: ClinVar variation 2806699 (VCV002806699.3), dbSNP rs2540942936, ClinGen allele CA2739272110.

ClinVar aggregate classification (germline): Pathogenic (1 of 4 stars; one submission).

Submission:

Labcorp Genetics (formerly Invitae), Labcorp
Classification: Pathogenic. Last evaluated: 2023-10-24. Review status: criteria provided, single submitter. Criteria: Invitae Variant Classification Sherloc (09022015). Collection method: clinical testing. Allele origin: germline.
Comment: This sequence change creates a premature translational stop signal (p.Ser41Valfs*84) in the TSFM gene. It is expected to result in an absent or disrupted protein product. Loss-of-function variants in TSFM are known to be pathogenic (PMID: 17033963, 20435138, 25037205, 27677415). This variant is not present in population databases (gnomAD no frequency). This variant has not been reported in the literature in individuals affected with TSFM-related conditions. For these reasons, this variant has been classified as Pathogenic.

Literature cited by the submitters: PubMed 17033963; PubMed 20435138; PubMed 25037205; PubMed 27677415.